The following is an entry in ClinVar:

ClinVar aggregate classification (germline): Uncertain significance. Review status: criteria provided, multiple submitters, no conflicts (2 of 4 stars). 2 submissions from 2 submitters: Uncertain significance (2). Last evaluated 2024-03-25.

Conditions:
Congenital secretory diarrhea, chloride type (DIAR1). Also called: CHLORIDE DIARRHEA, CONGENITAL, FINNISH TYPE; DIARRHEA 1, SECRETORY CHLORIDE, CONGENITAL; CHLORIDORRHEA, CONGENITAL. Identifiers: Orphanet 53689, MedGen C0267662, MONDO:0008964, OMIM 214700.

Allele frequency attached by ClinVar (database versions not stated): ExAC 0.00001; TOPMed 0.00002.
gnomAD v4.1: 30 of 1,613,858 alleles (0.0019%); highest among the groups gnomAD compares: Non-Finnish European, 0.0024%; no homozygotes.

Submissions (2):

Genomic Medicine Center of Excellence, King Faisal Specialist Hospital and Research Centre
Classification: Uncertain significance for Congenital secretory diarrhea, chloride type. Last evaluated: 2024-03-25. Review status: criteria provided, single submitter. Criteria: ACMG Guidelines, 2015. Collection method: research. Allele origin: germline.

Labcorp Genetics (formerly Invitae), Labcorp
Classification: Uncertain significance. Last evaluated: 2022-02-08. Review status: criteria provided, single submitter. Criteria: Invitae Variant Classification Sherloc (09022015). Collection method: clinical testing. Allele origin: germline.
Comment: This sequence change replaces arginine, which is basic and polar, with histidine, which is basic and polar, at codon 281 of the SLC26A3 protein (p.Arg281His). This variant is present in population databases (rs764340501, gnomAD 0.007%). This variant has not been reported in the literature in individuals affected with SLC26A3-related conditions. Algorithms developed to predict the effect of missense changes on protein structure and function output the following: SIFT: "Tolerated"; PolyPhen-2: "Benign"; Align-GVGD: "Class C0". The histidine amino acid residue is found in multiple mammalian species, which suggests that this missense change does not adversely affect protein function. In summary, the available evidence is currently insufficient to determine the role of this variant in disease. Therefore, it has been classified as a Variant of Uncertain Significance.

NM_000111.3(SLC26A3):c.842G>A (p.Arg281His)

Gene: SLC26A3 (solute carrier family 26 member 3; minus strand). Cytogenetic location: 7q22.3.
Variant type: single nucleotide variant.
Coding change: c.842G>A on transcript NM_000111.3 (MANE Select); coding-DNA position 842, G replaced by A.
Protein change: p.Arg281His; replaces arginine 281 with histidine.
Molecular consequence: missense variant.
Genome position (GRCh38, 1-based): chr7:107,787,403, C>T on the plus strand (G>A on the coding strand, the complement: SLC26A3 is on the minus strand). VCF-style: chr7-107787403-C-T. GRCh37 (hg19) VCF-style: chr7-107427848-C-T.
Other names: short protein forms R281H.
Identifiers: ClinVar variation 1922307 (VCV001922307.4), dbSNP rs764340501, ClinGen allele CA4434019.
Genomic context (GRCh38, chr7:107,787,403, plus strand): 5'-AAATGATCAATTACCATAATGAATTCGATTGGAATGGGCACTGGAAGTTTGTCTTTGAAG[C>T]GCTGATTTATTTCTTTAACAATGGATACAACCAAAAGGACAATCAGAGCTGTCACCAGGT-3'
Protein context (NP_000102.1, residues 271-291): VVSIVKEINQ[Arg281His]FKDKLPVPIP